The following is an entry in ClinVar:

NM_005068.3(SIM1):c.1996A>G (p.Ile666Val)

Gene: SIM1 (SIM bHLH transcription factor 1; minus strand). Cytogenetic location: 6q16.3.
Variant type: single nucleotide variant.
Coding change: c.1996A>G on transcript NM_005068.3 (MANE Select); coding-DNA position 1996, A replaced by G.
Protein change: p.Ile666Val; replaces isoleucine 666 with valine.
Molecular consequence: missense variant.
Genome position (GRCh38, 1-based): chr6:100,390,666, T>C on the plus strand (A>G on the coding strand, the complement: SIM1 is on the minus strand). VCF-style: chr6-100390666-T-C. GRCh37 (hg19) VCF-style: chr6-100838542-T-C.
Other names: c.1996A>G, p.Ile666Val (NM_001374769.1); short protein forms I666V.
Identifiers: ClinVar variation 2470654 (VCV002470654.4), dbSNP rs370511773, ClinGen allele CA144530194.

ClinVar aggregate classification (germline): Uncertain significance. Review status: criteria provided, multiple submitters, no conflicts (2 of 4 stars). 2 submissions from 2 submitters: Uncertain significance (2). Last evaluated 2025-11-04.

Conditions:
SIM1-related disorder. Also called: SIM1-related condition; SIM1-related disorders.
Inborn genetic diseases. Identifiers: MedGen C0950123, MeSH D030342.

Allele frequency attached by ClinVar (database versions not stated): gnomAD exomes below 0.00001; gnomAD 0.00001.
gnomAD v4.1: 6 of 1,614,042 alleles (0.00037%); highest among the groups gnomAD compares: African/African-American, 0.0013%; no homozygotes.

Submissions (2):

PreventionGenetics, part of Exact Sciences
Classification: Uncertain significance for SIM1-related condition. Last evaluated: 2025-11-04. Review status: criteria provided, single submitter. Criteria: ACMG Guidelines, 2015. Collection method: clinical testing. Allele origin: germline.
Comment: The SIM1 c.1996A>G variant is predicted to result in the amino acid substitution p.Ile666Val. To our knowledge, this variant has not been reported in the literature. This variant is reported in 0.0% of alleles in individuals of African descent in gnomAD. At this time, the clinical significance of this variant is uncertain due to the absence of conclusive functional and genetic evidence.

Ambry Genetics
Classification: Uncertain significance for Inborn genetic diseases. Last evaluated: 2025-09-22. Review status: criteria provided, single submitter. Criteria: Ambry Variant Classification Scheme 2023. Collection method: clinical testing. Allele origin: germline.